The following is an entry in ClinVar:

ClinVar aggregate classification (germline): Uncertain significance (1 of 4 stars; one submission).

Conditions:
Cardiovascular phenotype. Identifiers: MedGen CN230736.

Submission:

Ambry Genetics
Classification: Uncertain significance for Cardiovascular phenotype. Last evaluated: 2026-07-09. Review status: criteria provided, single submitter. Criteria: Ambry Variant Classification Scheme 2023. Collection method: clinical testing. Allele origin: germline.
Comment: The p.T144S variant (also known as c.431C>G), located in coding exon 1 of the MYPN gene, results from a C to G substitution at nucleotide position 431. The threonine at codon 144 is replaced by serine, an amino acid with similar properties. This amino acid position is conserved. In addition, this alteration is predicted to be tolerated by in silico analysis. Based on the available evidence, the clinical significance of this variant remains unclear.

NM_032578.4(MYPN):c.431C>G (p.Thr144Ser)

Gene: MYPN (myopalladin; plus strand). Cytogenetic location: 10q21.3.
Variant type: single nucleotide variant.
Coding change: c.431C>G on transcript NM_032578.4 (MANE Select); coding-DNA position 431, C replaced by G.
Protein change: p.Thr144Ser; replaces threonine 144 with serine.
Molecular consequence: missense variant. On other transcripts: 5 prime UTR variant (1), non-coding transcript variant (1).
Genome position (GRCh38, 1-based): chr10:68,121,869, C>G. VCF-style: chr10-68121869-C-G. GRCh37 (hg19) VCF-style: chr10-69881626-C-G.
Other names: c.431C>G, p.Thr144Ser (NM_001256267.2); c.-692C>G (NM_001256268.2); short protein forms T144S.
Identifiers: ClinVar variation 5025299 (VCV005025299.1).